The following is an entry in ClinVar:

NM_000310.4(PPT1):c.820dup (p.Met274fs)

Gene: PPT1 (palmitoyl-protein thioesterase 1; minus strand). Cytogenetic location: 1p34.2.
Variant type: Duplication.
Coding change: c.820dup on transcript NM_000310.4 (MANE Select); coding-DNA position 820, one base duplicated (A; older notation c.820dupA).
Protein change: p.Met274fs; shifts the reading frame from methionine 274.
Molecular consequence: frameshift variant.
Genome position (GRCh38, 1-based): chr1:40,074,162, T duplicated on the plus strand (A on the coding strand, the reverse complement: PPT1 is on the minus strand); the first of 3 consecutive T bases (chr1:40,074,162-40,074,164); duplicating any one gives the same sequence. VCF-style (leftmost placement, unchanged base first): chr1-40074161-A-AT. GRCh37 (hg19) VCF-style: chr1-40539833-A-AT.
Other names: c.820dupA (NM_000310.3); c.511dup, p.Met171fs (NM_001142604.2); c.748dup, p.Met250fs (NM_001363695.2); short protein forms M171fs, M250fs, M274fs.
Identifiers: ClinVar variation 1878635 (VCV001878635.1), dbSNP rs2523620826, ClinGen allele CA2580062723.

ClinVar aggregate classification (germline): Likely pathogenic (1 of 4 stars; one submission).

Conditions:
Neuronal ceroid lipofuscinosis 1 (CLN1). Also called: CEROID LIPOFUSCINOSIS, NEURONAL, 1, VARIABLE AGE AT ONSET; PPT1-Related Neuronal Ceroid-Lipofuscinosis. Identifiers: Orphanet 228329, MedGen C1850451, MONDO:0009744, OMIM 256730.

Submission:

Neuberg Centre For Genomic Medicine, NCGM
Classification: Likely pathogenic for Neuronal ceroid lipofuscinosis 1. Review status: criteria provided, single submitter. Criteria: ACMG Guidelines, 2015. Collection method: clinical testing. Allele origin: germline. Affected: yes.
Comment: The frameshift duplication p.M274Nfs*21 in PPT1 (NM_000310.3) has not been reported previously as a pathogenic variant nor as a benign variant, to our knowledge.The variant is present in the last exon and hence functional studies would be required to confirm nonsense mediated decay. Downstream frameshift variants have been reported previously in patients with NCL (Sheth J et al). The frameshift variant c.820dupA (p.M274Nfs*21) in PPT1 (NM_000310.3) is not observed in the large population cohorts of the gnomAD and 1000 Genomes datasets (Exome Aggregation Consortium et al., 2016; 1000 Genomes Consortium et al., 2015). In silico tools predict a damaging effect and the residue is conserved across species. For these reasons, this variant has been classified as Likely Pathogenic